The following is an entry in ClinVar:

ClinVar aggregate classification (germline): Uncertain significance (1 of 4 stars; one submission).

Conditions:
Charcot-Marie-Tooth disease axonal type 2Z. Also called: CHARCOT-MARIE-TOOTH DISEASE, AXONAL, AUTOSOMAL DOMINANT, TYPE 2Z; CHARCOT-MARIE-TOOTH NEUROPATHY, TYPE 2Z. Identifiers: Orphanet 466768, MedGen C5569025, MONDO:0014736, OMIM 616688.

Allele frequency attached by ClinVar (database versions not stated): gnomAD exomes below 0.00001 and 0.00001; TOPMed below 0.00001; ExAC 0.00002; ESP Exome Variant Server 0.00008.
gnomAD v4.1: 2 of 1,614,084 alleles (0.00012%); highest among the groups gnomAD compares: Non-Finnish European, 0.00017%; no homozygotes.

Submission:

Labcorp Genetics (formerly Invitae), Labcorp
Classification: Uncertain significance for Charcot-Marie-Tooth disease axonal type 2Z. Last evaluated: 2025-08-04. Review status: criteria provided, single submitter. Criteria: Invitae Variant Classification Sherloc (09022015). Collection method: clinical testing. Allele origin: germline.
Comment: This sequence change replaces valine, which is neutral and non-polar, with methionine, which is neutral and non-polar, at codon 799 of the MORC2 protein (p.Val799Met). This variant is present in population databases (rs370149816, gnomAD 0.002%). This variant has not been reported in the literature in individuals affected with MORC2-related conditions. ClinVar contains an entry for this variant (Variation ID: 962247). Invitae Evidence Modeling of protein sequence and biophysical properties (such as structural, functional, and spatial information, amino acid conservation, physicochemical variation, residue mobility, and thermodynamic stability) indicates that this missense variant is expected to disrupt MORC2 protein function with a positive predictive value of 80%. In summary, the available evidence is currently insufficient to determine the role of this variant in disease. Therefore, it has been classified as a Variant of Uncertain Significance.

NM_001303256.3(MORC2):c.2395G>A (p.Val799Met)

Gene: MORC2 (MORC family CW-type zinc finger 2; minus strand). Cytogenetic location: 22q12.2.
Variant type: single nucleotide variant.
Coding change: c.2395G>A on transcript NM_001303256.3 (MANE Select); coding-DNA position 2395, G replaced by A.
Protein change: p.Val799Met; replaces valine 799 with methionine.
Molecular consequence: missense variant.
Genome position (GRCh38, 1-based): chr22:30,933,016, C>T on the plus strand (G>A on the coding strand, the complement: MORC2 is on the minus strand). VCF-style: chr22-30933016-C-T. GRCh37 (hg19) VCF-style: chr22-31329003-C-T.
Other names: c.2395G>A, p.Val799Met (NM_001303257.2); c.2209G>A, p.Val737Met (NM_014941.3); short protein forms V799M, V737M.
Identifiers: ClinVar variation 962247 (VCV000962247.8), dbSNP rs370149816, ClinGen allele CA10186653.